The following is an entry in ClinVar:

ClinVar aggregate classification (germline): Pathogenic/Likely pathogenic. Review status: criteria provided, multiple submitters, no conflicts (2 of 4 stars). 10 submissions from 9 submitters: Pathogenic (5); Likely pathogenic (2). 3 of the submissions do not count toward it. Last evaluated 2025-03-01.

Conditions:
Leber congenital amaurosis 6 (LCA6). Identifiers: Orphanet 65, MedGen C1854260, MONDO:0013446, OMIM 613826.
Cone-rod dystrophy 13 (CORD13). Identifiers: Orphanet 1872, MedGen C2750720, MONDO:0011987, OMIM 608194.
RPGRIP1-related disorder. Also called: RPGRIP1-related condition.
Retinal dystrophy. Also called: Inherited retinal dystrophy. Identifiers: Orphanet 71862, MedGen C0854723, MeSH D058499, MONDO:0019118, HP:0000556.

Submissions (10):

Labcorp Genetics (formerly Invitae), Labcorp
Classification: Pathogenic for Leber congenital amaurosis 6; Cone-rod dystrophy 13. Last evaluated: 2025-03-01. Review status: criteria provided, single submitter. Criteria: Invitae Variant Classification Sherloc (09022015). Collection method: clinical testing. Allele origin: germline.
Comment: This sequence change creates a premature translational stop signal (p.Asn907*) in the RPGRIP1 gene. It is expected to result in an absent or disrupted protein product. Loss-of-function variants in RPGRIP1 are known to be pathogenic (PMID: 11528500, 23105016). This variant is present in population databases (rs776289402, gnomAD 0.007%). This premature translational stop signal has been observed in individuals with Leber congenital amaurosis (PMID: 28714225, 30576320). ClinVar contains an entry for this variant (Variation ID: 560506). For these reasons, this variant has been classified as Pathogenic.

Fulgent Genetics
Classification: Pathogenic for Cone-rod dystrophy 13; Leber congenital amaurosis 6. Last evaluated: 2024-03-30. Review status: criteria provided, single submitter. Criteria: ACMG Guidelines, 2015. Collection method: clinical testing. Allele origin: germline.

Department of Pathology and Laboratory Medicine, Sinai Health System
Classification: Likely pathogenic for Leber congenital amaurosis 6; Cone-rod dystrophy 13. Last evaluated: 2022-10-17. Review status: criteria provided, single submitter. Criteria: ACMG Guidelines, 2015. Collection method: research. Allele origin: germline.

Genome-Nilou Lab
Classification: Pathogenic for Leber congenital amaurosis 6. Last evaluated: 2021-11-07. Review status: criteria provided, single submitter. Criteria: ACMG Guidelines, 2015. Collection method: clinical testing. Allele origin: germline. Affected: no.

Genome-Nilou Lab
Classification: Pathogenic for Cone-rod dystrophy 13. Last evaluated: 2021-11-07. Review status: criteria provided, single submitter. Criteria: ACMG Guidelines, 2015. Collection method: clinical testing. Allele origin: germline. Affected: no.

Blueprint Genetics
Classification: Pathogenic for RPGRIP1-related disorders. Last evaluated: 2020-10-30. Review status: criteria provided, single submitter. Criteria: ACMG Guidelines, 2015. Collection method: clinical testing. Allele origin: germline. Affected: yes. Observed: 4 variant alleles.

CeGaT Center for Human Genetics Tuebingen
Classification: Likely pathogenic. Last evaluated: 2017-09-01. Review status: criteria provided, single submitter. Criteria: CeGaT Center For Human Genetics Tuebingen Variant Classification Criteria Version 2. Collection method: clinical testing. Allele origin: germline. Affected: yes. Observed: 1 variant allele.

Institute of Human Genetics, Univ. Regensburg, Univ. Regensburg
Classification: Pathogenic for Retinal dystrophy. Last evaluated: 2018-01-01. Review status: no assertion criteria provided. Criteria: ACMG Guidelines, 2015. Collection method: clinical testing. Allele origin: germline. Affected: yes. Not counted in ClinVar's aggregate classification.

Joint Genome Diagnostic Labs from Nijmegen and Maastricht, Radboudumc and MUMC+
Classification: Pathogenic for Leber congenital amaurosis 6. Last evaluated: 2016-09-01. Review status: no assertion criteria provided. Collection method: clinical testing. Allele origin: unknown. Affected: yes. Observed: 1 variant allele. Not counted in ClinVar's aggregate classification.

Laboratory of Genetics in Ophthalmology, Institut Imagine
Classification: Pathogenic for Leber congenital amaurosis 6. Review status: no assertion criteria provided. Collection method: research. Allele origin: inherited. Affected: yes. Observed: 2 variant alleles. Not counted in ClinVar's aggregate classification.

Literature cited by the submitters: PubMed 11528500 (cited by Labcorp Genetics (formerly Invitae), Labcorp); PubMed 23105016 (cited by Labcorp Genetics (formerly Invitae), Labcorp); PubMed 28714225 (cited by Labcorp Genetics (formerly Invitae), Labcorp and Laboratory of Genetics in Ophthalmology, Institut Imagine); PubMed 30576320 (cited by Labcorp Genetics (formerly Invitae), Labcorp).

NM_020366.4(RPGRIP1):c.2718dup (p.Asn907Ter)

Gene: RPGRIP1 (RPGR interacting protein 1; plus strand). Cytogenetic location: 14q11.2.
Variant type: Duplication.
Coding change: c.2718dup on transcript NM_020366.4 (MANE Select); coding-DNA position 2718, one base duplicated (T; older notation c.2718dupT).
Protein change: p.Asn907Ter; replaces asparagine 907 with a stop codon.
Molecular consequence: nonsense.
Genome position (GRCh38, 1-based): chr14:21,327,630, T duplicated; the last of 4 consecutive T bases (chr14:21,327,627-21,327,630); duplicating any one gives the same sequence. VCF-style (leftmost placement, unchanged base first): chr14-21327626-A-AT. GRCh37 (hg19) VCF-style: chr14-21795785-A-AT.
Other names: c.696dup, p.Asn233Ter (NM_001377523.1, NM_001377950.1); c.1644dup, p.Asn549Ter (NM_001377948.1); c.804dup, p.Asn269Ter (NM_001377949.1); c.198dup, p.Asn67Ter (NM_001377951.1); short protein forms N907*, N233*, N269*, N549*, N67*.
Identifiers: ClinVar variation 560506 (VCV000560506.59), dbSNP rs776289402, ClinGen allele CA7089335.